The following is an entry in ClinVar:

NM_018006.5(TRMU):c.576G>C (p.Leu192=)

Gene: TRMU (tRNA mitochondrial 2-thiouridylase; plus strand). Cytogenetic location: 22q13.31.
Variant type: single nucleotide variant.
Coding change: c.576G>C on transcript NM_018006.5 (MANE Select); coding-DNA position 576, G replaced by C.
Protein change: p.Leu192=; no amino-acid change (leucine 192 retained).
Molecular consequence: synonymous variant. On other transcripts: non-coding transcript variant (2).
Genome position (GRCh38, 1-based): chr22:46,350,388, G>C. VCF-style: chr22-46350388-G-C. GRCh37 (hg19) VCF-style: chr22-46746285-G-C.
Other names: c.234G>C, p.Leu78= (NM_001282782.2); c.156G>C, p.Leu52= (NM_001282783.2, NM_001282784.2); c.576G>C, p.Leu192= (NM_001282785.2).
Identifiers: ClinVar variation 506771 (VCV000506771.10), dbSNP rs1319509730, ClinGen allele CA514925341.

ClinVar aggregate classification (germline): Likely benign. Review status: criteria provided, multiple submitters, no conflicts (2 of 4 stars). 3 submissions from 3 submitters: Likely benign (2). 1 of the submissions does not count toward it. Last evaluated 2026-01-20.

Conditions:
TRMU-related disorder. Also called: TRMU-related condition.

Allele frequency attached by ClinVar (database versions not stated): TOPMed below 0.00001; gnomAD 0.00001; gnomAD exomes 0.00001.
gnomAD v4.1: 11 of 1,613,630 alleles (0.00068%); highest among the groups gnomAD compares: African/African-American, 0.0013%; no homozygotes.

Submissions (3):

Labcorp Genetics (formerly Invitae), Labcorp
Classification: Likely benign. Last evaluated: 2026-01-20. Review status: criteria provided, single submitter. Criteria: Invitae Variant Classification Sherloc (09022015). Collection method: clinical testing. Allele origin: germline.

GeneDx
Classification: Likely benign. Last evaluated: 2017-01-26. Review status: criteria provided, single submitter. Criteria: GeneDx Variant Classification (06012015). Collection method: clinical testing. Allele origin: germline. Affected: yes.
Comment: This variant is considered likely benign or benign based on one or more of the following criteria: it is a conservative change, it occurs at a poorly conserved position in the protein, it is predicted to be benign by multiple in silico algorithms, and/or has population frequency not consistent with disease.

PreventionGenetics, part of Exact Sciences
Classification: Likely benign for TRMU-related condition. Last evaluated: 2024-07-11. Review status: no assertion criteria provided. Collection method: clinical testing. Allele origin: germline. Not counted in ClinVar's aggregate classification.
Comment: This variant is classified as likely benign based on ACMG/AMP sequence variant interpretation guidelines (Richards et al. 2015 PMID: 25741868, with internal and published modifications).